The following is an entry in ClinVar:

NM_024675.4(PALB2):c.49-173G>T

Gene: PALB2 (partner and localizer of BRCA2; minus strand). Cytogenetic location: 16p12.2.
Variant type: single nucleotide variant.
Coding change: c.49-173G>T on transcript NM_024675.4 (MANE Select); 173 bases into the intron before coding-DNA position 49, G replaced by T.
Molecular consequence: intron variant.
Genome position (GRCh38, 1-based): chr16:23,638,302, C>A on the plus strand (G>T on the coding strand, the complement: PALB2 is on the minus strand). VCF-style: chr16-23638302-C-A. GRCh37 (hg19) VCF-style: chr16-23649623-C-A.
Identifiers: ClinVar variation 126752 (VCV000126752.3), dbSNP rs515726120, ClinGen allele CA269631.

ClinVar aggregate classification (germline): Likely benign (0 of 4 stars; one submission).

Conditions:
Familial cancer of breast. Also called: BREAST CANCER, FAMILIAL; hereditary breast carcinoma; Hereditary breast cancer. Identifiers: Orphanet 227535, MedGen C0346153, MONDO:0016419, OMIM 114480. Disease mechanism: loss of function.

Submission:

Leiden Open Variation Database
Classification: Likely benign for Familial cancer of breast. Last evaluated: 2019-05-13. Review status: no assertion criteria provided. Collection method: curation. Allele origin: germline. Affected: yes.
Comment: Curators: Marc Tischkowitz, Arleen D. Auerbach. Submitter to LOVD: Marc Tischkowitz.

Literature cited by the submitters: PubMed 20091115.